The following is an entry in ClinVar:

NM_003055.3(SLC18A3):c.32G>T (p.Arg11Leu)

Genes: CHAT (choline O-acetyltransferase; plus strand), SLC18A3 (solute carrier family 18 member A3; plus strand). Cytogenetic location: 10q11.23.
Variant type: single nucleotide variant.
Coding change: c.32G>T on transcript NM_003055.3 (MANE Select); coding-DNA position 32, G replaced by T.
Protein change: p.Arg11Leu; replaces arginine 11 with leucine.
Molecular consequence: missense variant. On other transcripts: intron variant (1).
Genome position (GRCh38, 1-based): chr10:49,610,772, G>T. VCF-style: chr10-49610772-G-T. GRCh37 (hg19) VCF-style: chr10-50818818-G-T.
Other names: c.-69+1573G>T (NM_020984.4); short protein forms R11L.
Identifiers: ClinVar variation 1354149 (VCV001354149.6), dbSNP rs8187732, ClinGen allele CA376715227.

ClinVar aggregate classification (germline): Uncertain significance (1 of 4 stars; one submission).

gnomAD v4.1: 2 of 1,560,196 alleles (0.00013%); highest among the groups gnomAD compares: Admixed American, 0.002%; no homozygotes.

Submission:

Labcorp Genetics (formerly Invitae), Labcorp
Classification: Uncertain significance. Last evaluated: 2022-07-05. Review status: criteria provided, single submitter. Criteria: Invitae Variant Classification Sherloc (09022015). Collection method: clinical testing. Allele origin: germline.
Comment: This sequence change replaces arginine, which is basic and polar, with leucine, which is neutral and non-polar, at codon 11 of the SLC18A3 protein (p.Arg11Leu). The frequency data for this variant in the population databases is considered unreliable, as metrics indicate poor data quality at this position in the gnomAD database. This variant has not been reported in the literature in individuals affected with SLC18A3-related conditions. ClinVar contains an entry for this variant (Variation ID: 1354149). Algorithms developed to predict the effect of missense changes on protein structure and function (SIFT, PolyPhen-2, Align-GVGD) all suggest that this variant is likely to be tolerated. In summary, the available evidence is currently insufficient to determine the role of this variant in disease. Therefore, it has been classified as a Variant of Uncertain Significance.